The following is an entry in ClinVar:

ClinVar aggregate classification (germline): Uncertain significance (1 of 4 stars; one submission).

Submission:

GeneDx
Classification: Uncertain significance. Last evaluated: 2024-06-03. Review status: criteria provided, single submitter. Criteria: GeneDx Variant Classification Process June 2021. Collection method: clinical testing. Allele origin: germline.
Comment: Not observed at significant frequency in large population cohorts (gnomAD); In silico analysis supports that this missense variant has a deleterious effect on protein structure/function; Has not been previously published as pathogenic or benign to our knowledge

NM_001393769.1(MED12L):c.82G>T (p.Asp28Tyr)

Gene: MED12L (mediator complex subunit 12L; plus strand). Cytogenetic location: 3q25.1.
Variant type: single nucleotide variant.
Coding change: c.82G>T on transcript NM_001393769.1 (MANE Select); coding-DNA position 82, G replaced by T.
Protein change: p.Asp28Tyr; replaces aspartic acid 28 with tyrosine.
Molecular consequence: missense variant.
Genome position (GRCh38, 1-based): chr3:151,087,008, G>T. VCF-style: chr3-151087008-G-T. GRCh37 (hg19) VCF-style: chr3-150804795-G-T.
Other names: c.82G>T, p.Asp28Tyr (NM_053002.6); short protein forms D28Y.
Identifiers: ClinVar variation 1712677 (VCV001712677.3), dbSNP rs1293730351, ClinGen allele CA355016508.